The following is an entry in ClinVar:

NM_004380.3(CREBBP):c.674C>T (p.Pro225Leu)

Gene: CREBBP (CREB binding lysine acetyltransferase; minus strand). Cytogenetic location: 16p13.3.
Variant type: single nucleotide variant.
Coding change: c.674C>T on transcript NM_004380.3 (MANE Select); coding-DNA position 674, C replaced by T.
Protein change: p.Pro225Leu; replaces proline 225 with leucine.
Molecular consequence: missense variant.
Genome position (GRCh38, 1-based): chr16:3,850,421, G>A on the plus strand (C>T on the coding strand, the complement: CREBBP is on the minus strand). VCF-style: chr16-3850421-G-A. GRCh37 (hg19) VCF-style: chr16-3900422-G-A.
Other names: c.674C>T, p.Pro225Leu (NM_001079846.1); short protein forms P225L.
Identifiers: ClinVar variation 4983977 (VCV004983977.1).

ClinVar aggregate classification (germline): Uncertain significance (1 of 4 stars; one submission).

Conditions:
CREBBP-related disorder. Also called: CREBBP-related condition; CREBBP-related disorders.

gnomAD v4.1: 48 of 1,614,110 alleles (0.003%); highest among the groups gnomAD compares: Non-Finnish European, 0.0038%; no homozygotes.

Submission:

PreventionGenetics, part of Exact Sciences
Classification: Uncertain significance for CREBBP-related condition. Last evaluated: 2026-07-31. Review status: criteria provided, single submitter. Criteria: ACMG Guidelines, 2015. Collection method: clinical testing. Allele origin: germline.
Comment: The CREBBP c.674C>T variant is predicted to result in the amino acid substitution p.Pro225Leu. To our knowledge, this variant has not been reported in the literature. This variant is reported in 1 allele out of 251480 alleles in gnomAD. At this time, the clinical significance of this variant is uncertain due to the absence of conclusive functional and genetic evidence.